The following is an entry in ClinVar:

ClinVar aggregate classification (germline): Benign/Likely benign. Review status: criteria provided, multiple submitters, no conflicts (2 of 4 stars). 4 submissions from 4 submitters: Benign (1); Likely benign (3). Last evaluated 2025-10-01.

Conditions:
Hereditary cancer-predisposing syndrome. Also called: Tumor predisposition; Neoplastic Syndromes, Hereditary; Hereditary Cancer Syndrome; Hereditary neoplastic syndrome. Identifiers: Orphanet 140162, MedGen C0027672, MeSH D009386, MONDO:0015356.
Familial cancer of breast. Also called: BREAST CANCER, FAMILIAL; hereditary breast carcinoma; Hereditary breast cancer. Identifiers: Orphanet 227535, MedGen C0346153, MONDO:0016419, OMIM 114480. Disease mechanism: loss of function.

Allele frequency attached by ClinVar (database versions not stated): gnomAD 0.00001; TOPMed 0.00002.
gnomAD v4.1: 4 of 1,614,006 alleles (0.00025%); highest among the groups gnomAD compares: Non-Finnish European, 0.00025%; no homozygotes.

Submissions (4):

Labcorp Genetics (formerly Invitae), Labcorp
Classification: Likely benign for Familial cancer of breast. Last evaluated: 2025-10-01. Review status: criteria provided, single submitter. Criteria: Invitae Variant Classification Sherloc (09022015). Collection method: clinical testing. Allele origin: germline.

Myriad Genetics, Inc.
Classification: Benign for Familial cancer of breast. Last evaluated: 2024-07-24. Review status: criteria provided, single submitter. Criteria: Myriad Autosomal Dominant, Autosomal Recessive and X-Linked Classification Criteria (2023). Collection method: clinical testing. Allele origin: unknown.
Comment: This variant is considered benign. This variant is a silent/synonymous amino acid change and it is not expected to impact splicing.

Ambry Genetics
Classification: Likely benign for Hereditary cancer-predisposing syndrome. Last evaluated: 2019-10-04. Review status: criteria provided, single submitter. Criteria: Ambry Variant Classification Scheme 2023. Collection method: clinical testing. Allele origin: germline.

Color Diagnostics, LLC DBA Color Health
Classification: Likely benign for Hereditary cancer-predisposing syndrome. Last evaluated: 2018-10-24. Review status: criteria provided, single submitter. Criteria: ACMG Guidelines, 2015. Collection method: clinical testing. Allele origin: germline.

NM_000465.4(BARD1):c.1239A>G (p.Ala413=)

Gene: BARD1 (BRCA1 associated RING domain 1; minus strand). Cytogenetic location: 2q35.
Variant type: single nucleotide variant.
Coding change: c.1239A>G on transcript NM_000465.4 (MANE Select); coding-DNA position 1239, A replaced by G.
Protein change: p.Ala413=; no amino-acid change (alanine 413 retained).
Molecular consequence: synonymous variant. On other transcripts: non-coding transcript variant (2), intron variant (3).
Genome position (GRCh38, 1-based): chr2:214,780,635, T>C on the plus strand (A>G on the coding strand, the complement: BARD1 is on the minus strand). VCF-style: chr2-214780635-T-C. GRCh37 (hg19) VCF-style: chr2-215645359-T-C.
Other names: c.1182A>G, p.Ala394= (NM_001282543.2); c.159-28080A>G (NM_001282548.2); c.215+16426A>G (NM_001282545.2); c.364+11662A>G (NM_001282549.2).
Identifiers: ClinVar variation 765236 (VCV000765236.19), dbSNP rs765212498, ClinGen allele CA64787925.